The following is an entry in ClinVar:

NM_001377.3(DYNC2H1):c.2370C>T (p.Pro790=)

Gene: DYNC2H1 (dynein cytoplasmic 2 heavy chain 1; plus strand). Cytogenetic location: 11q22.3.
Variant type: single nucleotide variant.
Coding change: c.2370C>T on transcript NM_001377.3 (MANE Select); coding-DNA position 2370, C replaced by T.
Protein change: p.Pro790=; no amino-acid change (proline 790 retained).
Molecular consequence: synonymous variant.
Genome position (GRCh38, 1-based): chr11:103,135,744, C>T. VCF-style: chr11-103135744-C-T. GRCh37 (hg19) VCF-style: chr11-103006473-C-T.
Other names: c.2370C>T (NM_001080463.1); c.2370C>T, p.Pro790= (NM_001080463.2).
Identifiers: ClinVar variation 2914204 (VCV002914204.12), dbSNP rs188267976, ClinGen allele CA6253026.

ClinVar aggregate classification (germline): Likely benign. Review status: criteria provided, multiple submitters, no conflicts (2 of 4 stars). 3 submissions from 3 submitters: Likely benign (2). 1 of the submissions does not count toward it. Last evaluated 2025-09-01.

Conditions:
DYNC2H1-related disorder. Also called: DYNC2H1-related condition; DYNC2H1-related disorders. Identifiers: MedGen CN378770.
Jeune thoracic dystrophy. Also called: Jeune syndrome; Infantile thoracic dystrophy; Thoracic pelvic phalangeal dystrophy; Jeune's syndrome; Chondroectodermal dysplasia-like syndrome; Short-rib thoracic dysplasia. Identifiers: Orphanet 474, MedGen C0265275, MONDO:0018770.

Allele frequency attached by ClinVar (database versions not stated): gnomAD exomes 0.00001; ExAC 0.00003; gnomAD 0.00003; TOPMed 0.00005; 1000 Genomes Project 0.00020; 1000 Genomes Project 30x 0.00031.
gnomAD v4.1: 28 of 1,609,166 alleles (0.0017%); highest among the groups gnomAD compares: Admixed American, 0.017%; no homozygotes.

Submissions (3):

CeGaT Center for Human Genetics Tuebingen
Classification: Likely benign. Last evaluated: 2025-09-01. Review status: criteria provided, single submitter. Criteria: CeGaT Center For Human Genetics Tuebingen Variant Classification Criteria Version 2. Collection method: clinical testing. Allele origin: germline. Affected: yes. Observed: 1 variant allele.
Comment: DYNC2H1: BP4, BP7

Labcorp Genetics (formerly Invitae), Labcorp
Classification: Likely benign for Jeune thoracic dystrophy. Last evaluated: 2025-07-08. Review status: criteria provided, single submitter. Criteria: Invitae Variant Classification Sherloc (09022015). Collection method: clinical testing. Allele origin: germline.

PreventionGenetics, part of Exact Sciences
Classification: Likely benign for DYNC2H1-related condition. Last evaluated: 2021-12-19. Review status: no assertion criteria provided. Collection method: clinical testing. Allele origin: germline. Not counted in ClinVar's aggregate classification.
Comment: This variant is classified as likely benign based on ACMG/AMP sequence variant interpretation guidelines (Richards et al. 2015 PMID: 25741868, with internal and published modifications).